The following is an entry in ClinVar:

ClinVar aggregate classification (germline): Benign (1 of 4 stars; one submission).

Allele frequency attached by ClinVar (database versions not stated): 1000 Genomes Project 30x 0.00375; 1000 Genomes Project 0.00399; ExAC 0.00528; gnomAD exomes 0.00868; TOPMed 0.00955; gnomAD 0.00957; ESP Exome Variant Server 0.01095.
gnomAD v4.1: 4,119 of 457,770 alleles (0.9%); highest among the groups gnomAD compares: Non-Finnish European, 1.4%; 35 homozygotes.

Submission:

CeGaT Center for Human Genetics Tuebingen
Classification: Benign. Last evaluated: 2023-01-01. Review status: criteria provided, single submitter. Criteria: CeGaT Center For Human Genetics Tuebingen Variant Classification Criteria Version 2. Collection method: clinical testing. Allele origin: germline. Affected: yes. Observed: 1 variant allele.
Comment: ENSG00000242048: BS1, BS2; PRKAG2: BS1, BS2

NM_016203.4(PRKAG2):c.115-21063C>T

Genes: PRKAG2 (protein kinase AMP-activated non-catalytic subunit gamma 2; minus strand), PRKAG2-AS2 (PRKAG2 antisense RNA 2; plus strand). Cytogenetic location: 7q36.1.
Variant type: single nucleotide variant.
Coding change: c.115-21063C>T on transcript NM_016203.4 (MANE Select); 21063 bases into the intron before coding-DNA position 115, C replaced by T.
Molecular consequence: intron variant. On other transcripts: non-coding transcript variant (1).
Genome position (GRCh38, 1-based): chr7:151,807,604, G>A on the plus strand (C>T on the coding strand, the complement: PRKAG2 is on the minus strand). VCF-style: chr7-151807604-G-A. GRCh37 (hg19) VCF-style: chr7-151504690-G-A.
Other names: c.115-21063C>T (NM_001407031.1, NM_001407030.1, NM_001407023.1 and 2 more transcripts); c.148+6812C>T (NM_001407032.1); c.-19+6812C>T (NM_001407026.1, NM_001040633.2, NM_001407033.1); c.-139+6812C>T (NM_001407027.1, NM_001407024.1).
Identifiers: ClinVar variation 2658192 (VCV002658192.23), dbSNP rs148204660, ClinGen allele CA054162.